The following is an entry in ClinVar:

NM_053025.4(MYLK):c.4941C>T (p.Ile1647=)

Gene: MYLK (myosin light chain kinase; minus strand). Cytogenetic location: 3q21.1.
Variant type: single nucleotide variant.
Coding change: c.4941C>T on transcript NM_053025.4 (MANE Select); coding-DNA position 4941, C replaced by T.
Protein change: p.Ile1647=; no amino-acid change (isoleucine 1647 retained).
Molecular consequence: synonymous variant.
Genome position (GRCh38, 1-based): chr3:123,638,091, G>A on the plus strand (C>T on the coding strand, the complement: MYLK is on the minus strand). VCF-style: chr3-123638091-G-A. GRCh37 (hg19) VCF-style: chr3-123356938-G-A.
Other names: c.4413C>T, p.Ile1471= (NM_001321309.2); c.4734C>T, p.Ile1578= (NM_053026.4, NM_053028.4); c.4941C>T, p.Ile1647= (NM_053027.4).
Identifiers: ClinVar variation 415765 (VCV000415765.24), dbSNP rs200291268, ClinGen allele CA072264.

ClinVar aggregate classification (germline): Likely benign. Review status: criteria provided, multiple submitters, no conflicts (2 of 4 stars). 5 submissions from 5 submitters: Likely benign (5). Last evaluated 2026-01-11.

Conditions:
Familial thoracic aortic aneurysm and aortic dissection (TAAD). Also called: Thoracic aortic aneurysms and dissections. Identifiers: Orphanet 91387, MedGen C4707243, MONDO:0019625.
Aortic aneurysm, familial thoracic 7 (AAT7). Also called: AORTIC DISSECTION, FAMILIAL, WITH OR WITHOUT AORTIC ANEURYSM. Identifiers: MedGen C3151077, MONDO:0013418, OMIM 613780.

Allele frequency attached by ClinVar (database versions not stated): TOPMed 0.00002; gnomAD 0.00003; ExAC 0.00004; gnomAD exomes 0.00004 and 0.00005; 1000 Genomes Project 30x 0.00016; 1000 Genomes Project 0.00020.
gnomAD v4.1: 87 of 1,614,094 alleles (0.0054%); highest among the groups gnomAD compares: Middle Eastern, 0.05%; no homozygotes.

Submissions (5):

Labcorp Genetics (formerly Invitae), Labcorp
Classification: Likely benign for Aortic aneurysm, familial thoracic 7. Last evaluated: 2026-01-11. Review status: criteria provided, single submitter. Criteria: Invitae Variant Classification Sherloc (09022015). Collection method: clinical testing. Allele origin: germline.

CeGaT Center for Human Genetics Tuebingen
Classification: Likely benign. Last evaluated: 2025-09-01. Review status: criteria provided, single submitter. Criteria: CeGaT Center For Human Genetics Tuebingen Variant Classification Criteria Version 2. Collection method: clinical testing. Allele origin: germline. Affected: yes. Observed: 1 variant allele.
Comment: MYLK: BP4, BP7

Blueprint Genetics
Classification: Likely benign. Last evaluated: 2023-12-04. Review status: criteria provided, single submitter. Criteria: ACMG Guidelines, 2015. Collection method: clinical testing. Allele origin: germline.

Ambry Genetics
Classification: Likely benign for Familial thoracic aortic aneurysm and aortic dissection. Last evaluated: 2023-04-17. Review status: criteria provided, single submitter. Criteria: Ambry Variant Classification Scheme 2023. Collection method: clinical testing. Allele origin: germline.

GeneDx
Classification: Likely benign. Last evaluated: 2020-11-20. Review status: criteria provided, single submitter. Criteria: GeneDx Variant Classification Process June 2021. Collection method: clinical testing. Allele origin: germline. Affected: yes.